The following is an entry in ClinVar:

ClinVar aggregate classification (germline): Uncertain significance (1 of 4 stars; one submission).

Conditions:
Early-infantile DEE. Also called: Early infantile epileptic encephalopathy with suppression bursts; Early infantile epileptic encephalopathy; Ohtahara syndrome. Identifiers: Orphanet 1934, MedGen C0393706, MONDO:0800491.

Allele frequency attached by ClinVar (database versions not stated): TOPMed below 0.00001.

Submission:

Labcorp Genetics (formerly Invitae), Labcorp
Classification: Uncertain significance for Early-infantile DEE. Last evaluated: 2022-11-08. Review status: criteria provided, single submitter. Criteria: Invitae Variant Classification Sherloc (09022015). Collection method: clinical testing. Allele origin: germline.
Comment: Algorithms developed to predict the effect of missense changes on protein structure and function (SIFT, PolyPhen-2, Align-GVGD) all suggest that this variant is likely to be disruptive. This missense change has been observed in at least one individual who was not affected with HCN1-related conditions (Invitae). This variant has not been reported in the literature in individuals affected with HCN1-related conditions. This variant is not present in population databases (gnomAD no frequency). This sequence change replaces glutamic acid, which is acidic and polar, with aspartic acid, which is acidic and polar, at codon 460 of the HCN1 protein (p.Glu460Asp). In summary, the available evidence is currently insufficient to determine the role of this variant in disease. Therefore, it has been classified as a Variant of Uncertain Significance.

NM_021072.4(HCN1):c.1380G>T (p.Glu460Asp)

Gene: HCN1 (hyperpolarization activated cyclic nucleotide gated potassium channel 1; minus strand). Cytogenetic location: 5p12.
Variant type: single nucleotide variant.
Coding change: c.1380G>T on transcript NM_021072.4 (MANE Select); coding-DNA position 1380, G replaced by T.
Protein change: p.Glu460Asp; replaces glutamic acid 460 with aspartic acid.
Molecular consequence: missense variant.
Genome position (GRCh38, 1-based): chr5:45,303,837, C>A on the plus strand (G>T on the coding strand, the complement: HCN1 is on the minus strand). VCF-style: chr5-45303837-C-A. GRCh37 (hg19) VCF-style: chr5-45303939-C-A.
Other names: short protein forms E460D.
Identifiers: ClinVar variation 1714910 (VCV001714910.5), dbSNP rs1745674800, ClinGen allele CA359702853.
Genomic context (GRCh38, chr5:45,303,837, plus strand): 5'-ATCCGCATTAGCAAATAAAGGCATTGTAGCCACCAGTTTCCGACAGTTGAAGTTGACTAT[C>A]TCCTAAAGATGTCAAGAGTAAACAAATATTAAGAGAGATATTAATCATATCTGGAAGAAA-3'
Protein context (NP_066550.2, residues 450-470): LNELNDPLRE[Glu460Asp]IVNFNCRKLV